The following is an entry in ClinVar:

NM_001040142.2(SCN2A):c.2654C>A (p.Thr885Asn)

Gene: SCN2A (sodium voltage-gated channel alpha subunit 2; plus strand). Cytogenetic location: 2q24.3.
Variant type: single nucleotide variant.
Coding change: c.2654C>A on transcript NM_001040142.2 (MANE Select); coding-DNA position 2654, C replaced by A.
Protein change: p.Thr885Asn; replaces threonine 885 with asparagine.
Molecular consequence: missense variant.
Genome position (GRCh38, 1-based): chr2:165,344,646, C>A. VCF-style: chr2-165344646-C-A. GRCh37 (hg19) VCF-style: chr2-166201156-C-A.
Other names: c.2654C>A, p.Thr885Asn (NM_001040143.2, NM_001371246.1, NM_001371247.1 and 1 more transcripts); short protein forms T885N.
Identifiers: ClinVar variation 3338177 (VCV003338177.2).

ClinVar aggregate classification (germline): Likely pathogenic (0 of 4 stars; one submission).

Conditions:
Autism (AUTS). Also called: Autistic disorder of childhood onset; Autistic disorder. Identifiers: MedGen C0004352, MeSH D001321, MONDO:0005260, OMIM 209850, HP:0000717.

Submission:

Centre for Addiction & Mental Health
Classification: Likely pathogenic for Autism. Review status: no assertion criteria provided. Collection method: research. Allele origin: de novo. Affected: yes. Observed: 1 heterozygote. Segregation with disease not observed.
Comment: de novo nonsynonymous variant in known disesae gene